The following is an entry in ClinVar:

NM_001372044.2(SHANK3):c.2263C>A (p.Pro755Thr)

Gene: SHANK3 (SH3 and multiple ankyrin repeat domains 3; plus strand). Cytogenetic location: 22q13.33.
Variant type: single nucleotide variant.
Coding change: c.2263C>A on transcript NM_001372044.2 (MANE Select); coding-DNA position 2263, C replaced by A.
Protein change: p.Pro755Thr; replaces proline 755 with threonine.
Molecular consequence: missense variant.
Genome position (GRCh38, 1-based): chr22:50,706,080, C>A. VCF-style: chr22-50706080-C-A. GRCh37 (hg19) VCF-style: chr22-51144508-C-A.
Other names: c.2038C>A (NM_033517.1); short protein forms P755T.
Identifiers: ClinVar variation 3360558 (VCV003360558.1).
Genomic context (GRCh38, chr22:50,706,080, plus strand): 5'-CCGCGCCGCCTGCTGCTGGACAGGAGGTCCAAGGCCTCCCTCTTCTTTGCAGCCCCACCG[C>A]CCCCCAAGAGGGCCCCCAGCACCACACTGACCCTGCGCTCCAAGTCCATGACAGCTGAGC-3'
Protein context (NP_001358973.1, residues 745-765): EDGARRRAPP[Pro755Thr]PKRAPSTTLT

ClinVar aggregate classification (germline): Uncertain significance (1 of 4 stars; one submission).

Submission:

GeneDx
Classification: Uncertain significance. Last evaluated: 2023-06-29. Review status: criteria provided, single submitter. Criteria: GeneDx Variant Classification Process June 2021. Collection method: clinical testing. Allele origin: germline. Affected: yes.
Comment: Not observed at significant frequency in large population cohorts (gnomAD); In silico analysis supports that this missense variant has a deleterious effect on protein structure/function; Has not been previously published as pathogenic or benign to our knowledge